The following is an entry in ClinVar:

ClinVar aggregate classification (germline): Uncertain significance. Review status: criteria provided, multiple submitters, no conflicts (2 of 4 stars). 5 submissions from 4 submitters: Uncertain significance (4). 1 of the submissions does not count toward it. Last evaluated 2024-11-18.

Conditions:
Severe combined immunodeficiency, autosomal recessive, T cell-negative, B cell-negative, NK cell-positive. Also called: SCID, AR, T-cell negative, B-cell negative, NK cell-positive; Severe combined immunodeficiency due to complete RAG1/2 deficiency; SCID, T CELL-NEGATIVE, B CELL-NEGATIVE, NK CELL-POSITIVE. Identifiers: Orphanet 331206, MedGen C1832322, MONDO:0011086, OMIM 601457.
Combined immunodeficiency with skin granulomas. Identifiers: Orphanet 157949, MedGen C2673536, MONDO:0009306, OMIM 233650.
Histiocytic medullary reticulosis. Also called: Omenn syndrome; SEVERE COMBINED IMMUNODEFICIENCY WITH HYPEREOSINOPHILIA. Identifiers: Orphanet 39041, MedGen C2700553, MONDO:0011338, OMIM 603554.

Allele frequency attached by ClinVar (database versions not stated): gnomAD 0.00009; TOPMed 0.00009; ExAC 0.00006; gnomAD exomes 0.00006; ESP Exome Variant Server 0.00015.
gnomAD v4.1: 198 of 1,613,928 alleles (0.012%); highest among the groups gnomAD compares: Non-Finnish European, 0.016%; no homozygotes.

Submissions (5):

Labcorp Genetics (formerly Invitae), Labcorp
Classification: Uncertain significance for Combined immunodeficiency with skin granulomas; Severe combined immunodeficiency, autosomal recessive, T cell-negative, B cell-negative, NK cell-positive. Last evaluated: 2024-11-18. Review status: criteria provided, single submitter. Criteria: Invitae Variant Classification Sherloc (09022015). Collection method: clinical testing. Allele origin: germline.
Comment: This sequence change replaces asparagine, which is neutral and polar, with lysine, which is basic and polar, at codon 364 of the RAG2 protein (p.Asn364Lys). This variant is present in population databases (rs150349031, gnomAD 0.009%). This variant has not been reported in the literature in individuals affected with RAG2-related conditions. ClinVar contains an entry for this variant (Variation ID: 665506). Invitae Evidence Modeling of protein sequence and biophysical properties (such as structural, functional, and spatial information, amino acid conservation, physicochemical variation, residue mobility, and thermodynamic stability) indicates that this missense variant is not expected to disrupt RAG2 protein function with a negative predictive value of 95%. Experimental studies have shown that this missense change affects RAG2 function (PMID: 23994475). In summary, the available evidence is currently insufficient to determine the role of this variant in disease. Therefore, it has been classified as a Variant of Uncertain Significance.

Blueprint Genetics
Classification: Uncertain significance. Last evaluated: 2022-03-08. Review status: criteria provided, single submitter. Criteria: ACMG Guidelines, 2015. Collection method: clinical testing. Allele origin: germline.

Illumina Laboratory Services, Illumina
Classification: Uncertain significance for Histiocytic medullary reticulosis. Last evaluated: 2017-04-27. Review status: criteria provided, single submitter. Criteria: ICSL Variant Classification Criteria 13 December 2019. Collection method: clinical testing. Allele origin: germline.

Illumina Laboratory Services, Illumina
Classification: Uncertain significance for Severe combined immunodeficiency, autosomal recessive, T cell-negative, B cell-negative, NK cell-positive. Last evaluated: 2017-04-27. Review status: criteria provided, single submitter. Criteria: ICSL Variant Classification Criteria 13 December 2019. Collection method: clinical testing. Allele origin: germline.

Natera, Inc.
Classification: Uncertain significance for Omenn syndrome. Last evaluated: 2020-09-16. Review status: no assertion criteria provided. Collection method: clinical testing. Allele origin: germline. Not counted in ClinVar's aggregate classification.

Literature cited by the submitters: PubMed 23994475 (cited by Labcorp Genetics (formerly Invitae), Labcorp).

NM_000536.4(RAG2):c.1092C>G (p.Asn364Lys)

Gene: RAG2 (recombination activating 2; minus strand). Cytogenetic location: 11p12.
Variant type: single nucleotide variant.
Coding change: c.1092C>G on transcript NM_000536.4 (MANE Select); coding-DNA position 1092, C replaced by G.
Protein change: p.Asn364Lys; replaces asparagine 364 with lysine.
Molecular consequence: missense variant.
Genome position (GRCh38, 1-based): chr11:36,593,077, G>C on the plus strand (C>G on the coding strand, the complement: RAG2 is on the minus strand). VCF-style: chr11-36593077-G-C. GRCh37 (hg19) VCF-style: chr11-36614627-G-C.
Other names: c.1092C>G, p.Asn364Lys (NM_001243785.2, NM_001243786.2); short protein forms N364K.
Identifiers: ClinVar variation 665506 (VCV000665506.10), dbSNP rs150349031, ClinGen allele CA5950476.